The following is an entry in ClinVar:

NC_012920.1(MT-ND2):m.4659G>T

Gene: MT-ND2 (mitochondrially encoded NADH dehydrogenase 2; plus strand).
Variant type: single nucleotide variant.
Genome position: chrM-4659-G-T.
Identifiers: ClinVar variation 692474 (VCV000692474.1), dbSNP rs1556422882, ClinGen allele CA414775193.

ClinVar aggregate classification (germline): Uncertain significance (1 of 4 stars; one submission).

Conditions:
Leigh syndrome (NULS). Also called: Leigh's necrotizing encephalopathy; Leigh's disease; Leigh Syndrome (mtDNA deletion); Leigh Disease; Subacute necrotizing encephalopathy; Necrotizing encephalopathy infantile subacute of Leigh. Identifiers: Orphanet 506, MedGen C2931891, MONDO:0009723, OMIM 256000.

Submission:

Wong Mito Lab, Molecular and Human Genetics, Baylor College of Medicine
Classification: Uncertain significance for Leigh syndrome. Last evaluated: 2019-10-17. Review status: criteria provided, single submitter. Criteria: Modified ACMG Guidelines (Unpublished). Collection method: clinical testing. Allele origin: germline.
Comment: The NC_012920.1:m.4659G>T (YP_003024027.1:p.Ala64Ser) variant in MTND2 gene is interpretated to be a Uncertain Significance variant based on the modified ACMG guidelines (unpublished). This variant meets the following evidence codes: BP4